The following is an entry in ClinVar:

ClinVar aggregate classification (germline): Conflicting classifications of pathogenicity. Review status: criteria provided, conflicting classifications (1 of 4 stars). 6 submissions from 6 submitters: Uncertain significance (5); Likely benign (1). Last evaluated 2025-10-13.

Conditions:
Lynch syndrome. Identifiers: Orphanet 144, MedGen C4552100, MONDO:0005835. Disease mechanism: loss of function.
Hereditary cancer-predisposing syndrome. Also called: Hereditary Cancer Syndrome; Neoplastic Syndromes, Hereditary; Tumor predisposition; Hereditary neoplastic syndrome. Identifiers: Orphanet 140162, MedGen C0027672, MeSH D009386, MONDO:0015356.
Lynch syndrome 5 (LYNCH5). Also called: Colorectal cancer, hereditary nonpolyposis, type 5; Hereditary non-polyposis colorectal cancer, type 5. Identifiers: Orphanet 144, MedGen C1833477, MONDO:0013710, OMIM 614350. Disease mechanism: loss of function.
Hereditary nonpolyposis colorectal neoplasms. Identifiers: MedGen C0009405, MeSH D003123.

Allele frequency attached by ClinVar (database versions not stated): gnomAD exomes below 0.00001; gnomAD 0.00003.
gnomAD v4.1: 2 of 1,614,008 alleles (0.00012%); highest among the groups gnomAD compares: East Asian, 0.0022%; no homozygotes.

Submissions (6):

Labcorp Genetics (formerly Invitae), Labcorp
Classification: Likely benign for Hereditary nonpolyposis colorectal neoplasms. Last evaluated: 2025-10-13. Review status: criteria provided, single submitter. Criteria: Invitae Variant Classification Sherloc (09022015). Collection method: clinical testing. Allele origin: germline.

Ambry Genetics
Classification: Uncertain significance for Hereditary cancer-predisposing syndrome. Last evaluated: 2025-08-12. Review status: criteria provided, single submitter. Criteria: Ambry Variant Classification Scheme 2023. Collection method: clinical testing. Allele origin: germline.
Comment: The p.L423I variant (also known as c.1267C>A), located in coding exon 4 of the MSH6 gene, results from a C to A substitution at nucleotide position 1267. The leucine at codon 423 is replaced by isoleucine, an amino acid with highly similar properties. This amino acid position is not well conserved in available vertebrate species. In addition, this alteration is predicted to be tolerated by in silico analysis. Since supporting evidence is limited at this time, the clinical significance of this alteration remains unclear.

All of Us Research Program, National Institutes of Health
Classification: Uncertain significance for Lynch syndrome. Last evaluated: 2023-09-17. Review status: criteria provided, single submitter. Criteria: ACMG Guidelines, 2015. Collection method: clinical testing. Allele origin: germline. Inheritance: Autosomal dominant inheritance. Observed: 1 variant allele, 1 heterozygote.
Comment: This missense variant replaces leucine with isoleucine at codon 423 of the MSH6 protein. Computational prediction tool suggests that this variant may not impact protein structure and function (internally defined REVEL score threshold <=0.5, PMID: 27666373). Splice site prediction tools suggest that this variant may not impact RNA splicing. To our knowledge, functional studies have not been performed for this variant. This variant has not been reported in individuals affected with hereditary cancer in the literature. This variant has been identified in 2/282756 chromosomes in the general population by the Genome Aggregation Database (gnomAD). The available evidence is insufficient to determine the role of this variant in disease conclusively. Therefore, this variant is classified as a Variant of Uncertain Significance.

This study involves interpretation of variants in research participants for the purpose of population health screening. Participant phenotype was not available at the time of variant classification. Additional details can be found in publication PMID: 35346344, PMCID: PMC8962531

Color Diagnostics, LLC DBA Color Health
Classification: Uncertain significance for Hereditary cancer-predisposing syndrome. Last evaluated: 2023-09-01. Review status: criteria provided, single submitter. Criteria: ACMG Guidelines, 2015. Collection method: clinical testing. Allele origin: germline.
Comment: This variant is located in the MSH6 protein. Computational prediction suggests that this variant may not impact protein structure and function (internally defined REVEL score threshold <= 0.5, PMID: 27666373). To our knowledge, functional studies have not been reported for this variant. This variant has not been reported in individuals affected with MSH6-related disorders in the literature. This variant has been identified in 2/282756 chromosomes in the general population by the Genome Aggregation Database (gnomAD). The available evidence is insufficient to determine the role of this variant in disease conclusively. Therefore, this variant is classified as a Variant of Uncertain Significance.

GeneDx
Classification: Uncertain significance. Last evaluated: 2019-04-16. Review status: criteria provided, single submitter. Criteria: GeneDx Variant Classification Process June 2021. Collection method: clinical testing. Allele origin: germline. Affected: yes.
Comment: Not observed at a significant frequency in large population cohorts (Lek et al., 2016); Has not been previously published as pathogenic or benign to our knowledge

Illumina Laboratory Services, Illumina
Classification: Uncertain significance for Lynch syndrome 5. Last evaluated: 2018-01-12. Review status: criteria provided, single submitter. Criteria: ICSL Variant Classification Criteria 13 December 2019. Collection method: clinical testing. Allele origin: germline.

NM_000179.3(MSH6):c.1267C>A (p.Leu423Ile)

Gene: MSH6 (mutS homolog 6; plus strand). Cytogenetic location: 2p16.3.
Variant type: single nucleotide variant.
Coding change: c.1267C>A on transcript NM_000179.3 (MANE Select); coding-DNA position 1267, C replaced by A.
Protein change: p.Leu423Ile; replaces leucine 423 with isoleucine.
Molecular consequence: missense variant.
Genome position (GRCh38, 1-based): chr2:47,799,250, C>A. VCF-style: chr2-47799250-C-A. GRCh37 (hg19) VCF-style: chr2-48026389-C-A.
Other names: c.877C>A, p.Leu293Ile (NM_001281492.2); c.361C>A, p.Leu121Ile (NM_001281493.2, NM_001281494.2); short protein forms L423I, L121I, L293I.
Identifiers: ClinVar variation 336442 (VCV000336442.29), dbSNP rs587781657, ClinGen allele CA10615505.